The following is an entry in ClinVar:

ClinVar aggregate classification (germline): Uncertain significance. Review status: criteria provided, multiple submitters, no conflicts (2 of 4 stars). 4 submissions from 4 submitters: Uncertain significance (3). 1 of the submissions does not count toward it. Last evaluated 2025-02-26.

Conditions:
SEMA3E-related disorder. Also called: SEMA3E-related condition.
CHARGE syndrome (CHARGE). Also called: Hittner Hirsch Kreh syndrome; Coloboma, heart anomaly, choanal atresia, retardation, genital and ear anomalies; CHARGE association; Hall-Hittner syndrome; CHARGE ASSOCIATION--COLOBOMA, HEART ANOMALY, CHOANAL ATRESIA, RETARDATION, GENITAL AND EAR ANOMALIES. Identifiers: Orphanet 138, MedGen C0265354, MONDO:0008965.
Hypogonadotropic hypogonadism 7 with or without anosmia (HH7). Also called: GNRHR-Related GnRH Deficiency; HYPOGONADOTROPIC HYPOGONADISM 7 WITHOUT ANOSMIA. Identifiers: Orphanet 432, MedGen C0342384, MONDO:0007794, OMIM 146110.

Allele frequency attached by ClinVar (database versions not stated): ExAC 0.00002; TOPMed 0.00003; gnomAD 0.00001.
gnomAD v4.1: 93 of 1,612,400 alleles (0.0058%); highest among the groups gnomAD compares: Non-Finnish European, 0.0075%; no homozygotes.

Submissions (4):

Labcorp Genetics (formerly Invitae), Labcorp
Classification: Uncertain significance for CHARGE syndrome. Last evaluated: 2025-02-26. Review status: criteria provided, single submitter. Criteria: Invitae Variant Classification Sherloc (09022015). Collection method: clinical testing. Allele origin: germline.
Comment: This sequence change replaces aspartic acid, which is acidic and polar, with asparagine, which is neutral and polar, at codon 685 of the SEMA3E protein (p.Asp685Asn). This variant is present in population databases (rs768606535, gnomAD 0.003%). This variant has not been reported in the literature in individuals affected with SEMA3E-related conditions. ClinVar contains an entry for this variant (Variation ID: 955728). An algorithm developed to predict the effect of missense changes on protein structure and function (PolyPhen-2) suggests that this variant is likely to be tolerated. In summary, the available evidence is currently insufficient to determine the role of this variant in disease. Therefore, it has been classified as a Variant of Uncertain Significance.

Ambry Genetics
Classification: Uncertain significance. Last evaluated: 2023-12-12. Review status: criteria provided, single submitter. Criteria: Ambry Variant Classification Scheme 2023. Collection method: clinical testing. Allele origin: germline.

Fulgent Genetics
Classification: Uncertain significance for Hypogonadotropic hypogonadism 7 with or without anosmia; CHD7-related CHARGE syndrome. Last evaluated: 2022-01-04. Review status: criteria provided, single submitter. Criteria: ACMG Guidelines, 2015. Collection method: clinical testing. Allele origin: unknown.

PreventionGenetics, part of Exact Sciences
Classification: Uncertain significance for SEMA3E-related condition. Last evaluated: 2023-12-30. Review status: no assertion criteria provided. Collection method: clinical testing. Allele origin: germline. Not counted in ClinVar's aggregate classification.
Comment: The SEMA3E c.2053G>A variant is predicted to result in the amino acid substitution p.Asp685Asn. To our knowledge, this variant has not been reported in the literature. This variant is reported in 0.0029% of alleles in individuals of Latino descent in gnomAD. At this time, the clinical significance of this variant is uncertain due to the absence of conclusive functional and genetic evidence.

NM_012431.3(SEMA3E):c.2053G>A (p.Asp685Asn)

Gene: SEMA3E (semaphorin 3E; minus strand). Cytogenetic location: 7q21.11.
Variant type: single nucleotide variant.
Coding change: c.2053G>A on transcript NM_012431.3 (MANE Select); coding-DNA position 2053, G replaced by A.
Protein change: p.Asp685Asn; replaces aspartic acid 685 with asparagine.
Molecular consequence: missense variant.
Genome position (GRCh38, 1-based): chr7:83,367,861, C>T on the plus strand (G>A on the coding strand, the complement: SEMA3E is on the minus strand). VCF-style: chr7-83367861-C-T. GRCh37 (hg19) VCF-style: chr7-82997177-C-T.
Other names: c.1873G>A, p.Asp625Asn (NM_001178129.2); short protein forms D625N, D685N.
Identifiers: ClinVar variation 955728 (VCV000955728.13), dbSNP rs768606535, ClinGen allele CA4321836.